The following is an entry in ClinVar:

NM_001376.5(DYNC1H1):c.7836G>C (p.Leu2612Phe)

Gene: DYNC1H1 (dynein cytoplasmic 1 heavy chain 1; plus strand). Cytogenetic location: 14q32.31.
Variant type: single nucleotide variant.
Coding change: c.7836G>C on transcript NM_001376.5 (MANE Select); coding-DNA position 7836, G replaced by C.
Protein change: p.Leu2612Phe; replaces leucine 2612 with phenylalanine.
Molecular consequence: missense variant.
Genome position (GRCh38, 1-based): chr14:102,016,987, G>C. VCF-style: chr14-102016987-G-C. GRCh37 (hg19) VCF-style: chr14-102483324-G-C.
Other names: short protein forms L2612F.
Identifiers: ClinVar variation 4802063 (VCV004802063.1).

ClinVar aggregate classification (germline): Uncertain significance (1 of 4 stars; one submission).

Conditions:
Charcot-Marie-Tooth disease axonal type 2O. Also called: CHARCOT-MARIE-TOOTH NEUROPATHY, AXONAL, TYPE 2O; CHARCOT-MARIE-TOOTH DISEASE, AXONAL, AUTOSOMAL DOMINANT, TYPE 2O; Charcot-Marie-Tooth Neuropathy Type 2O; Charcot-Marie-Tooth disease, axonal, type 20. Identifiers: Orphanet 284232, MedGen C3280220, MONDO:0013644, OMIM 614228.

Submission:

Labcorp Genetics (formerly Invitae), Labcorp
Classification: Uncertain significance for Charcot-Marie-Tooth disease axonal type 2O. Last evaluated: 2025-12-09. Review status: criteria provided, single submitter. Criteria: Invitae Variant Classification Sherloc (09022015). Collection method: clinical testing. Allele origin: germline.
Comment: This sequence change replaces leucine, which is neutral and non-polar, with phenylalanine, which is neutral and non-polar, at codon 2612 of the DYNC1H1 protein (p.Leu2612Phe). This variant is not present in population databases (gnomAD no frequency). This variant has not been reported in the literature in individuals affected with DYNC1H1-related conditions. Invitae Evidence Modeling of protein sequence and biophysical properties (such as structural, functional, and spatial information, amino acid conservation, physicochemical variation, residue mobility, and thermodynamic stability) has been performed for this missense variant. However, the output from this modeling did not meet the statistical confidence thresholds required to predict the impact of this variant on DYNC1H1 protein function. In summary, the available evidence is currently insufficient to determine the role of this variant in disease. Therefore, it has been classified as a Variant of Uncertain Significance.